The following is an entry in ClinVar:

NM_000441.2(SLC26A4):c.427G>A (p.Val143Met)

Gene: SLC26A4 (solute carrier family 26 member 4; plus strand). Cytogenetic location: 7q22.3.
Variant type: single nucleotide variant.
Coding change: c.427G>A on transcript NM_000441.2 (MANE Select); coding-DNA position 427, G replaced by A.
Protein change: p.Val143Met; replaces valine 143 with methionine.
Molecular consequence: missense variant.
Genome position (GRCh38, 1-based): chr7:107,674,175, G>A. VCF-style: chr7-107674175-G-A. GRCh37 (hg19) VCF-style: chr7-107314620-G-A.
Other names: short protein forms V143M.
Identifiers: ClinVar variation 2856804 (VCV002856804.3), dbSNP rs575505679, ClinGen allele CA368847820.
Genomic context (GRCh38, chr7:107,674,175, plus strand): 5'-ACATTTGTGATTAATAACTGATTAATTGTTAGAGACTTTTTTTCCCCAGGACCTTTTCCA[G>A]TGGTGAGTTTAATGGTGGGATCTGTTGTTCTGAGCATGGCCCCCGACGAACACTTTCTCG-3'
Protein context (NP_000432.1, residues 133-153): SRHISVGPFP[Val143Met]VSLMVGSVVL

ClinVar aggregate classification (germline): Uncertain significance (1 of 4 stars; one submission).

Submission:

Labcorp Genetics (formerly Invitae), Labcorp
Classification: Uncertain significance. Last evaluated: 2024-11-11. Review status: criteria provided, single submitter. Criteria: Invitae Variant Classification Sherloc (09022015). Collection method: clinical testing. Allele origin: germline.
Comment: This sequence change replaces valine, which is neutral and non-polar, with methionine, which is neutral and non-polar, at codon 143 of the SLC26A4 protein (p.Val143Met). This variant is not present in population databases (gnomAD no frequency). This variant has not been reported in the literature in individuals affected with SLC26A4-related conditions. ClinVar contains an entry for this variant (Variation ID: 2856804). Invitae Evidence Modeling of protein sequence and biophysical properties (such as structural, functional, and spatial information, amino acid conservation, physicochemical variation, residue mobility, and thermodynamic stability) indicates that this missense variant is expected to disrupt SLC26A4 protein function with a positive predictive value of 95%. In summary, the available evidence is currently insufficient to determine the role of this variant in disease. Therefore, it has been classified as a Variant of Uncertain Significance.